The following is an entry in ClinVar:

NM_000169.3(GLA):c.97G>A (p.Asp33Asn)

Genes: GLA (galactosidase alpha; minus strand), RPL36A-HNRNPH2 (RPL36A-HNRNPH2 readthrough; plus strand). Cytogenetic location: Xq22.1.
Variant type: single nucleotide variant.
Coding change: c.97G>A on transcript NM_000169.3 (MANE Select); coding-DNA position 97, G replaced by A.
Protein change: p.Asp33Asn; replaces aspartic acid 33 with asparagine.
Molecular consequence: missense variant. On other transcripts: non-coding transcript variant (3), intron variant (2).
Genome position (GRCh38, 1-based): chrX:101,407,807, C>T on the plus strand (G>A on the coding strand, the complement: GLA is on the minus strand). VCF-style: chrX-101407807-C-T. GRCh37 (hg19) VCF-style: chrX-100662795-C-T.
Other names: c.97G>A, p.Asp33Asn (NM_001406747.1, NM_001406748.1, NM_001406749.1); c.301-4129C>T (NM_001199973.2); c.178-4129C>T (NM_001199974.2); short protein forms D33N.
Identifiers: ClinVar variation 1049385 (VCV001049385.1), dbSNP rs2147487414, ClinGen allele CA413937424.

ClinVar aggregate classification (germline): Uncertain significance (0 of 4 stars; one submission).

Submission:

Department of Pathology and Laboratory Medicine, Sinai Health System
Classification: Uncertain significance. Review status: no assertion criteria provided. Collection method: clinical testing. Allele origin: unknown. Affected: yes. Study: The Canadian Open Genetics Repository (COGR).
Comment: The GLA p.Asp33Asn variant was not identified in the literature nor was it identified in dbSNP, ClinVar, Cosmic or in the following control databases: the 1000 Genomes Project, the NHLBI GO Exome Sequencing Project, the Exome Aggregation Consortium (August 8th 2016), or the Genome Aggregation Database (Feb 27, 2017). The variant occurs outside of the splicing consensus sequence and in silico or computational prediction software programs (SpliceSiteFinder, MaxEntScan, NNSPLICE, GeneSplicer) do not predict a difference in splicing. The p.Asp33 residue is not conserved in mammals and four out of five computational analyses (PolyPhen-2, SIFT, AlignGVGD, BLOSUM, MutationTaster) do not suggest a high likelihood of impact to the protein; however, this information is not predictive enough to rule out pathogenicity. In summary, based on the above information the clinical significance of this variant cannot be determined with certainty at this time. This variant is classified as a variant of uncertain significance.